The following is an entry in ClinVar:

ClinVar aggregate classification (germline): Benign/Likely benign. Review status: criteria provided, multiple submitters, no conflicts (2 of 4 stars). 2 submissions from 2 submitters: Benign (1); Likely benign (1). Last evaluated 2026-08-01.

Allele frequency attached by ClinVar (database versions not stated): gnomAD 0.00068 and 0.00064; gnomAD exomes 0.00005 and 0.00019; ExAC 0.00026; 1000 Genomes Project 0.00040; TOPMed 0.00057; 1000 Genomes Project 30x 0.00062; ESP Exome Variant Server 0.00062.
gnomAD v4.1: 175 of 1,571,364 alleles (0.011%); highest among the groups gnomAD compares: African/African-American, 0.22%; no homozygotes.

Submissions (2):

CeGaT Center for Human Genetics Tuebingen
Classification: Likely benign. Last evaluated: 2026-08-01. Review status: criteria provided, single submitter. Criteria: CeGaT Center For Human Genetics Tuebingen Variant Classification Criteria Version 2. Collection method: clinical testing. Allele origin: germline. Affected: yes. Observed: 1 variant allele.
Comment: WAC: BP4, BS1

GeneDx
Classification: Benign. Last evaluated: 2020-05-18. Review status: criteria provided, single submitter. Criteria: GeneDx Variant Classification Process June 2021. Collection method: clinical testing. Allele origin: germline. Affected: yes.

NM_016628.5(WAC):c.79-6T>C

Gene: WAC (WW domain containing adaptor with coiled-coil; plus strand). Cytogenetic location: 10p12.1.
Variant type: single nucleotide variant.
Coding change: c.79-6T>C on transcript NM_016628.5 (MANE Select); 6 bases into the intron before coding-DNA position 79, T replaced by C.
Molecular consequence: intron variant.
Genome position (GRCh38, 1-based): chr10:28,535,556, T>C. VCF-style: chr10-28535556-T-C. GRCh37 (hg19) VCF-style: chr10-28824485-T-C.
Other names: c.-57-6T>C (NM_100264.3); c.79-6T>C (NM_100486.4).
Identifiers: ClinVar variation 1286356 (VCV001286356.2), dbSNP rs201183825, ClinGen allele CA5454686.